The following is an entry in ClinVar:

NM_001018111.3(PODXL):c.134C>T (p.Thr45Ile)

Gene: PODXL (podocalyxin like; minus strand). Cytogenetic location: 7q32.3.
Variant type: single nucleotide variant.
Coding change: c.134C>T on transcript NM_001018111.3 (MANE Select); coding-DNA position 134, C replaced by T.
Protein change: p.Thr45Ile; replaces threonine 45 with isoleucine.
Molecular consequence: missense variant.
Genome position (GRCh38, 1-based): chr7:131,511,400, G>A on the plus strand (C>T on the coding strand, the complement: PODXL is on the minus strand). VCF-style: chr7-131511400-G-A. GRCh37 (hg19) VCF-style: chr7-131196159-G-A.
Other names: c.134C>T, p.Thr45Ile (NM_005397.4); short protein forms T45I.
Identifiers: ClinVar variation 1997103 (VCV001997103.4), dbSNP rs1562904993, ClinGen allele CA369302066.
Genomic context (GRCh38, chr7:131,511,400, plus strand): 5'-GTGCTCTGCTGGGCTGTATCTGTAGCCATGATGGTGACACTGGATGCTGGAGTCGGTGCT[G>A]TTTTGTTAGATGAGTCCGTAGTAGTCTGGGTTGCTGTTTGTAAAGATAACAGAGAATGGA-3'
Protein context (NP_001018121.1, residues 35-55): TQTTTDSSNK[Thr45Ile]APTPASSVTI

ClinVar aggregate classification (germline): Uncertain significance (1 of 4 stars; one submission).

Submission:

Labcorp Genetics (formerly Invitae), Labcorp
Classification: Uncertain significance. Last evaluated: 2023-08-10. Review status: criteria provided, single submitter. Criteria: Invitae Variant Classification Sherloc (09022015). Collection method: clinical testing. Allele origin: germline.
Comment: In summary, the available evidence is currently insufficient to determine the role of this variant in disease. Therefore, it has been classified as a Variant of Uncertain Significance. An algorithm developed to predict the effect of missense changes on protein structure and function (PolyPhen-2) suggests that this variant is likely to be tolerated. ClinVar contains an entry for this variant (Variation ID: 1997103). This variant has not been reported in the literature in individuals affected with PODXL-related conditions. This variant is not present in population databases (gnomAD no frequency). This sequence change replaces threonine, which is neutral and polar, with isoleucine, which is neutral and non-polar, at codon 45 of the PODXL protein (p.Thr45Ile).